The following is an entry in ClinVar:

ClinVar aggregate classification (germline): Uncertain significance (1 of 4 stars; one submission).

Submission:

GeneDx
Classification: Uncertain significance. Last evaluated: 2023-03-01. Review status: criteria provided, single submitter. Criteria: GeneDx Variant Classification Process June 2021. Collection method: clinical testing. Allele origin: germline. Affected: yes.
Comment: Not observed at significant frequency in large population cohorts (gnomAD); In silico analysis supports that this missense variant has a deleterious effect on protein structure/function; Has not been previously published as pathogenic or benign to our knowledge

NM_197968.4(ZMYM2):c.1818C>G (p.Asn606Lys)

Gene: ZMYM2 (zinc finger MYM-type containing 2; plus strand). Cytogenetic location: 13q12.11.
Variant type: single nucleotide variant.
Coding change: c.1818C>G on transcript NM_197968.4 (MANE Select); coding-DNA position 1818, C replaced by G.
Protein change: p.Asn606Lys; replaces asparagine 606 with lysine.
Molecular consequence: missense variant. On other transcripts: non-coding transcript variant (1).
Genome position (GRCh38, 1-based): chr13:20,027,285, C>G. VCF-style: chr13-20027285-C-G. GRCh37 (hg19) VCF-style: chr13-20601425-C-G.
Other names: c.1818C>G, p.Asn606Lys (NM_001190964.4, NM_001190965.4, NM_001353157.2 and 5 more transcripts); c.1623C>G, p.Asn541Lys (NM_001353161.3); c.1557C>G, p.Asn519Lys (NM_001353163.2); short protein forms N519K, N541K, N606K.
Identifiers: ClinVar variation 2578277 (VCV002578277.1), dbSNP rs2503005942, ClinGen allele CA387672739.
Genomic context (GRCh38, chr13:20,027,285, plus strand): 5'-TTGTAAGCGAAACTCTTTACCTCAATACCAAGCCACAATGCCTGATGGAAAACTGTACAA[C>G]TTTTGCAATTCCAGTTGTGTGGCTAAATTTCAGGTTTGTCGTTTATTTTGCATAACCCAT-3'
Protein context (NP_932072.1, residues 596-616): QATMPDGKLY[Asn606Lys]FCNSSCVAKF